The following is an entry in ClinVar:

ClinVar aggregate classification (germline): Uncertain significance (1 of 4 stars; one submission).

Conditions:
Tumor predisposition syndrome 3 (TPDS3). Also called: Melanoma, cutaneous malignant, susceptibility to, 10; Glioma susceptibility 9; LONG TELOMERE SYNDROME, POT1-RELATED; POT1 Tumor Predisposition. Identifiers: Orphanet 618, MedGen C4014476, MONDO:0014368, OMIM 615848.

Submission:

Labcorp Genetics (formerly Invitae), Labcorp
Classification: Uncertain significance for Tumor predisposition syndrome 3. Last evaluated: 2021-06-20. Review status: criteria provided, single submitter. Criteria: Invitae Variant Classification Sherloc (09022015). Collection method: clinical testing. Allele origin: germline.
Comment: This variant has not been reported in the literature in individuals with POT1-related conditions. This variant is not present in population databases (ExAC no frequency). This sequence change replaces arginine with serine at codon 373 of the POT1 protein (p.Arg373Ser). The arginine residue is moderately conserved and there is a moderate physicochemical difference between arginine and serine. Algorithms developed to predict the effect of missense changes on protein structure and function output the following: SIFT: "Tolerated"; PolyPhen-2: "Benign"; Align-GVGD: "Class C0". The serine amino acid residue is found in multiple mammalian species, suggesting that this missense change does not adversely affect protein function. These predictions have not been confirmed by published functional studies and their clinical significance is uncertain. In summary, the available evidence is currently insufficient to determine the role of this variant in disease. Therefore, it has been classified as a Variant of Uncertain Significance.

NM_015450.3(POT1):c.1119A>T (p.Arg373Ser)

Gene: POT1 (protection of telomeres 1; minus strand). Cytogenetic location: 7q31.33.
Variant type: single nucleotide variant.
Coding change: c.1119A>T on transcript NM_015450.3 (MANE Select); coding-DNA position 1119, A replaced by T.
Protein change: p.Arg373Ser; replaces arginine 373 with serine.
Molecular consequence: missense variant. On other transcripts: non-coding transcript variant (3).
Genome position (GRCh38, 1-based): chr7:124,842,851, T>A on the plus strand (A>T on the coding strand, the complement: POT1 is on the minus strand). VCF-style: chr7-124842851-T-A. GRCh37 (hg19) VCF-style: chr7-124482905-T-A.
Other names: c.726A>T, p.Arg242Ser (NM_001042594.2); short protein forms R242S, R373S.
Identifiers: ClinVar variation 1402155 (VCV001402155.8), dbSNP rs2116467620, ClinGen allele CA369068258.